The following is an entry in ClinVar:

ClinVar aggregate classification (germline): Likely pathogenic (1 of 4 stars; one submission).

Submission:

GeneDx
Classification: Likely pathogenic. Last evaluated: 2020-01-23. Review status: criteria provided, single submitter. Criteria: GeneDx Variant Classification Process June 2021. Collection method: clinical testing. Allele origin: germline. Affected: yes.
Comment: In-frame deletion of 3 amino acids in a non-repeat region; Not observed in large population cohorts (Lek et al., 2016); In silico analysis, which includes protein predictors and evolutionary conservation, supports a deleterious effect; Has not been previously published as pathogenic or benign to our knowledge

NM_001042492.3(NF1):c.722_730delATATGGCTG (p.Asp241_Ala243del)

Gene: NF1 (neurofibromin 1; plus strand). Cytogenetic location: 17q11.2.
Variant type: Deletion.
Coding change: c.722_730delATATGGCTG on transcript NM_001042492.3 (MANE Select); coding-DNA positions 722 to 730, 9 bases deleted (ATATGGCTG).
Protein change: p.Asp241_Ala243del.
Molecular consequence: inframe deletion. On other transcripts: inframe indel (1).
Genome position (GRCh38, 1-based): chr17:31,181,777-31,181,785, ATATGGCTG deleted; deleting any 9 consecutive bases within chr17:31,181,774-31,181,785 gives the same sequence; the c. name uses the placement nearest the transcript's 3' end. VCF-style (leftmost placement, unchanged base first): chr17-31181773-ACTGATATGG-A. GRCh37 (hg19) VCF-style: chr17-29508791-ACTGATATGG-A.
Other names: c.722_730delATATGGCTG, p.Asp241_Ala243del (NM_000267.3, NM_000267.4, NM_001128147.3).
Identifiers: ClinVar variation 561874 (VCV000561874.2), dbSNP rs1567826158, ClinGen allele CA658825043.